The following is an entry in ClinVar:

NM_001084.5(PLOD3):c.11C>T (p.Ser4Leu)

Gene: PLOD3 (procollagen-lysine,2-oxoglutarate 5-dioxygenase 3; minus strand). Cytogenetic location: 7q22.1.
Variant type: single nucleotide variant.
Coding change: c.11C>T on transcript NM_001084.5 (MANE Select); coding-DNA position 11, C replaced by T.
Protein change: p.Ser4Leu; replaces serine 4 with leucine.
Molecular consequence: missense variant.
Genome position (GRCh38, 1-based): chr7:101,217,264, G>A on the plus strand (C>T on the coding strand, the complement: PLOD3 is on the minus strand). VCF-style: chr7-101217264-G-A. GRCh37 (hg19) VCF-style: chr7-100860545-G-A.
Other names: short protein forms S4L.
Identifiers: ClinVar variation 1900002 (VCV001900002.2), dbSNP rs1245919321, ClinGen allele CA368628219.

ClinVar aggregate classification (germline): Uncertain significance (1 of 4 stars; one submission).

Allele frequency attached by ClinVar (database versions not stated): gnomAD exomes below 0.00001; gnomAD 0.00001.
gnomAD v4.1: 6 of 1,487,068 alleles (0.0004%); highest among the groups gnomAD compares: Non-Finnish European, 0.00054%; no homozygotes.

Submission:

Labcorp Genetics (formerly Invitae), Labcorp
Classification: Uncertain significance. Last evaluated: 2022-09-09. Review status: criteria provided, single submitter. Criteria: Invitae Variant Classification Sherloc (09022015). Collection method: clinical testing. Allele origin: germline.
Comment: This sequence change replaces serine, which is neutral and polar, with leucine, which is neutral and non-polar, at codon 4 of the PLOD3 protein (p.Ser4Leu). This variant is not present in population databases (gnomAD no frequency). This variant has not been reported in the literature in individuals affected with PLOD3-related conditions. Algorithms developed to predict the effect of missense changes on protein structure and function are either unavailable or do not agree on the potential impact of this missense change (SIFT: "Deleterious"; PolyPhen-2: "Not Available"; Align-GVGD: "Class C0"). In summary, the available evidence is currently insufficient to determine the role of this variant in disease. Therefore, it has been classified as a Variant of Uncertain Significance.